The following is an entry in ClinVar:

ClinVar aggregate classification (germline): Uncertain significance. Review status: criteria provided, multiple submitters, no conflicts (2 of 4 stars). 2 submissions from 2 submitters: Uncertain significance (2). Last evaluated 2025-08-04.

Conditions:
Inborn genetic diseases. Identifiers: MedGen C0950123, MeSH D030342.

Allele frequency attached by ClinVar (database versions not stated): TOPMed 0.00005; ESP Exome Variant Server 0.00008; gnomAD exomes 0.00008; gnomAD 0.00010; ExAC 0.00023.
gnomAD v4.1: 149 of 1,613,950 alleles (0.0092%); highest among the groups gnomAD compares: South Asian, 0.0066%; no homozygotes.

Submissions (2):

Labcorp Genetics (formerly Invitae), Labcorp
Classification: Uncertain significance. Last evaluated: 2025-08-04. Review status: criteria provided, single submitter. Criteria: Invitae Variant Classification Sherloc (09022015). Collection method: clinical testing. Allele origin: germline.
Comment: This sequence change replaces proline, which is neutral and non-polar, with leucine, which is neutral and non-polar, at codon 248 of the SLCO2A1 protein (p.Pro248Leu). This variant is present in population databases (rs200824486, gnomAD 0.1%). This variant has not been reported in the literature in individuals affected with SLCO2A1-related conditions. ClinVar contains an entry for this variant (Variation ID: 2069150). Invitae Evidence Modeling of protein sequence and biophysical properties (such as structural, functional, and spatial information, amino acid conservation, physicochemical variation, residue mobility, and thermodynamic stability) has been performed for this missense variant. However, the output from this modeling did not meet the statistical confidence thresholds required to predict the impact of this variant on SLCO2A1 protein function. In summary, the available evidence is currently insufficient to determine the role of this variant in disease. Therefore, it has been classified as a Variant of Uncertain Significance.

Ambry Genetics
Classification: Uncertain significance for Inborn genetic diseases. Last evaluated: 2025-06-07. Review status: criteria provided, single submitter. Criteria: Ambry Variant Classification Scheme 2023. Collection method: clinical testing. Allele origin: germline.

NM_005630.3(SLCO2A1):c.743C>T (p.Pro248Leu)

Gene: SLCO2A1 (solute carrier organic anion transporter family member 2A1; minus strand). Cytogenetic location: 3q22.1.
Variant type: single nucleotide variant.
Coding change: c.743C>T on transcript NM_005630.3 (MANE Select); coding-DNA position 743, C replaced by T.
Protein change: p.Pro248Leu; replaces proline 248 with leucine.
Molecular consequence: missense variant.
Genome position (GRCh38, 1-based): chr3:133,951,326, G>A on the plus strand (C>T on the coding strand, the complement: SLCO2A1 is on the minus strand). VCF-style: chr3-133951326-G-A. GRCh37 (hg19) VCF-style: chr3-133670170-G-A.
Other names: c.743C>T (NM_005630.2); short protein forms P248L.
Identifiers: ClinVar variation 2069150 (VCV002069150.5), dbSNP rs200824486, ClinGen allele CA2626716.
Genomic context (GRCh38, chr3:133,951,326, plus strand): 5'-AATAAAGCTGAAGAAATGAGCAGGCCTAGCCACCAGGCTCCAATCCATCGGGGGTCACCC[G>A]GGACCAAGTTAACTGCAGCTGAAGAGAAAACGAAGAGTGCAAATGTTTGTTGAATGCATG-3'
Protein context (NP_005621.2, residues 238-258): RVNTAAVNLV[Pro248Leu]GDPRWIGAWW